The following is an entry in ClinVar:

NM_001040108.2(MLH3):c.2268G>T (p.Lys756Asn)

Gene: MLH3 (mutL homolog 3; minus strand). Cytogenetic location: 14q24.3.
Variant type: single nucleotide variant.
Coding change: c.2268G>T on transcript NM_001040108.2 (MANE Select); coding-DNA position 2268, G replaced by T.
Protein change: p.Lys756Asn; replaces lysine 756 with asparagine.
Molecular consequence: missense variant.
Genome position (GRCh38, 1-based): chr14:75,047,388, C>A on the plus strand (G>T on the coding strand, the complement: MLH3 is on the minus strand). VCF-style: chr14-75047388-C-A. GRCh37 (hg19) VCF-style: chr14-75514091-C-A.
Other names: c.2268G>T, p.Lys756Asn (NM_014381.3); short protein forms K756N.
Identifiers: ClinVar variation 3295173 (VCV003295173.1).

ClinVar aggregate classification (germline): Uncertain significance (1 of 4 stars; one submission).

Submission:

Ambry Genetics
Classification: Uncertain significance. Last evaluated: 2024-06-23. Review status: criteria provided, single submitter. Criteria: Ambry Variant Classification Scheme 2023. Collection method: clinical testing. Allele origin: germline.
Comment: The p.K756N variant (also known as c.2268G>T), located in coding exon 1 of the MLH3 gene, results from a G to T substitution at nucleotide position 2268. The lysine at codon 756 is replaced by asparagine, an amino acid with similar properties. This amino acid position is conserved. In addition, this alteration is predicted to be tolerated by in silico analysis. Based on the available evidence, the clinical significance of this variant remains unclear.